The following is an entry in ClinVar:

ClinVar aggregate classification (germline): Uncertain significance (1 of 4 stars; one submission).

Submission:

Labcorp Genetics (formerly Invitae), Labcorp
Classification: Uncertain significance. Last evaluated: 2023-11-27. Review status: criteria provided, single submitter. Criteria: Invitae Variant Classification Sherloc (09022015). Collection method: clinical testing. Allele origin: germline.
Comment: This sequence change replaces lysine, which is basic and polar, with arginine, which is basic and polar, at codon 269 of the SH3KBP1 protein (p.Lys269Arg). This variant is not present in population databases (gnomAD no frequency). This variant has not been reported in the literature in individuals affected with SH3KBP1-related conditions. ClinVar contains an entry for this variant (Variation ID: 1716920). Advanced modeling of protein sequence and biophysical properties (such as structural, functional, and spatial information, amino acid conservation, physicochemical variation, residue mobility, and thermodynamic stability) performed at Invitae indicates that this missense variant is not expected to disrupt SH3KBP1 protein function with a negative predictive value of 80%. In summary, the available evidence is currently insufficient to determine the role of this variant in disease. Therefore, it has been classified as a Variant of Uncertain Significance.

NM_031892.3(SH3KBP1):c.806A>G (p.Lys269Arg)

Gene: SH3KBP1 (SH3 domain containing kinase binding protein 1; minus strand). Cytogenetic location: Xp22.12.
Variant type: single nucleotide variant.
Coding change: c.806A>G on transcript NM_031892.3 (MANE Select); coding-DNA position 806, A replaced by G.
Protein change: p.Lys269Arg; replaces lysine 269 with arginine.
Molecular consequence: missense variant.
Genome position (GRCh38, 1-based): chrX:19,631,955, T>C on the plus strand (A>G on the coding strand, the complement: SH3KBP1 is on the minus strand). VCF-style: chrX-19631955-T-C. GRCh37 (hg19) VCF-style: chrX-19650073-T-C.
Other names: c.938A>G, p.Lys313Arg (NM_001410757.1, NM_001410756.1); c.629A>G, p.Lys210Arg (NM_001410758.1); c.695A>G, p.Lys232Arg (NM_001024666.3); c.92A>G, p.Lys31Arg (NM_001184960.2, NM_001353897.2); c.806A>G, p.Lys269Arg (NM_001353890.2); c.881A>G, p.Lys294Arg (NM_001353891.2, NM_001353892.2); c.704A>G, p.Lys235Arg (NM_001353893.2, NM_001353894.2); c.761A>G, p.Lys254Arg (NM_001353895.2); short protein forms K210R, K232R, K235R, K254R, K269R, K294R, K313R, K31R.
Identifiers: ClinVar variation 1716920 (VCV001716920.5), dbSNP rs2519698592, ClinGen allele CA412497036.
Genomic context (GRCh38, chrX:19,631,955, plus strand): 5'-TTGATTGTCAATTCATCATCATTCTGTGCCTCATATGGAAATATTACTTTGCAGTAATCC[T>C]TGCCTATAAGAAAAACAGAAAACATAACCTTTAAAATGCTTTATCTAATGAGCTGGCCCA-3'
Protein context (NP_114098.1, residues 259-279): KTEMDSRTKS[Lys269Arg]DYCKVIFPYE